The following is an entry in ClinVar:

ClinVar aggregate classification (germline): Uncertain significance (1 of 4 stars; one submission).

Submission:

Labcorp Genetics (formerly Invitae), Labcorp
Classification: Uncertain significance. Last evaluated: 2021-06-05. Review status: criteria provided, single submitter. Criteria: Invitae Variant Classification Sherloc (09022015). Collection method: clinical testing. Allele origin: germline.
Comment: This variant is not present in population databases (ExAC no frequency). This sequence change replaces lysine with glutamine at codon 518 of the FZD4 protein (p.Lys518Gln). The lysine residue is highly conserved and there is a small physicochemical difference between lysine and glutamine. This variant has not been reported in the literature in individuals with FZD4-related conditions. Algorithms developed to predict the effect of missense changes on protein structure and function are either unavailable or do not agree on the potential impact of this missense change (SIFT: "Deleterious"; PolyPhen-2: "Benign"; Align-GVGD: "Class C0"). In summary, the available evidence is currently insufficient to determine the role of this variant in disease. Therefore, it has been classified as a Variant of Uncertain Significance.

NM_012193.4(FZD4):c.1552A>C (p.Lys518Gln)

Genes: FZD4 (frizzled class receptor 4; minus strand), PRSS23 (serine protease 23; plus strand). Cytogenetic location: 11q14.2.
Variant type: single nucleotide variant.
Coding change: c.1552A>C on transcript NM_012193.4 (MANE Select); coding-DNA position 1552, A replaced by C.
Protein change: p.Lys518Gln; replaces lysine 518 with glutamine.
Molecular consequence: missense variant.
Genome position (GRCh38, 1-based): chr11:86,951,204, T>G on the plus strand (A>C on the coding strand, the complement: FZD4 is on the minus strand). VCF-style: chr11-86951204-T-G. GRCh37 (hg19) VCF-style: chr11-86662246-T-G.
Other names: short protein forms K518Q.
Identifiers: ClinVar variation 1358989 (VCV001358989.8), dbSNP rs1329129995, ClinGen allele CA382010913.